The following is an entry in ClinVar:

NM_002528.7(NTHL1):c.358C>G (p.Arg120Gly)

Gene: NTHL1 (nth like DNA glycosylase 1; minus strand). Cytogenetic location: 16p13.3.
Variant type: single nucleotide variant.
Coding change: c.358C>G on transcript NM_002528.7 (MANE Select); coding-DNA position 358, C replaced by G.
Protein change: p.Arg120Gly; replaces arginine 120 with glycine.
Molecular consequence: missense variant. On other transcripts: intron variant (1).
Genome position (GRCh38, 1-based): chr16:2,044,797, G>C on the plus strand (C>G on the coding strand, the complement: NTHL1 is on the minus strand). VCF-style: chr16-2044797-G-C. GRCh37 (hg19) VCF-style: chr16-2094798-G-C.
Other names: c.358C>G, p.Arg120Gly (LRG_1366t1); c.28C>G, p.Arg10Gly (NM_001318194.2); c.355-1071C>G (NM_001318193.2); short protein forms R10G, R120G.
Identifiers: ClinVar variation 660196 (VCV000660196.19), dbSNP rs370228590, ClinGen allele CA7828279.

ClinVar aggregate classification (germline): Uncertain significance. Review status: criteria provided, multiple submitters, no conflicts (2 of 4 stars). 5 submissions from 5 submitters: Uncertain significance (5). Last evaluated 2025-12-18.

Conditions:
Familial adenomatous polyposis 3. Also called: NTHL1-related attenuated familial adenomatous polyposis; NTHL1-Related Adenomatous Polyposis and Colorectal Cancer; NTHL1 Tumor Syndrome; NTHL1-associated polyposis. Identifiers: Orphanet 220460, Orphanet 454840, MedGen C4225157, MONDO:0014630, OMIM 616415.
Hereditary cancer-predisposing syndrome. Also called: Tumor predisposition; Hereditary neoplastic syndrome; Hereditary Cancer Syndrome; Neoplastic Syndromes, Hereditary. Identifiers: Orphanet 140162, MedGen C0027672, MeSH D009386, MONDO:0015356.

Allele frequency attached by ClinVar (database versions not stated): ESP Exome Variant Server 0.00015; gnomAD 0.00009 and 0.00010; TOPMed 0.00009.
gnomAD v4.1: 19 of 1,602,444 alleles (0.0012%); highest among the groups gnomAD compares: African/African-American, 0.025%; no homozygotes.

Submissions (5):

Labcorp Genetics (formerly Invitae), Labcorp
Classification: Uncertain significance. Last evaluated: 2025-12-18. Review status: criteria provided, single submitter. Criteria: Invitae Variant Classification Sherloc (09022015). Collection method: clinical testing. Allele origin: germline.
Comment: This sequence change replaces arginine, which is basic and polar, with glycine, which is neutral and non-polar, at codon 128 of the NTHL1 protein (p.Arg128Gly). This variant is present in population databases (rs370228590, gnomAD 0.03%). This variant has not been reported in the literature in individuals affected with NTHL1-related conditions. ClinVar contains an entry for this variant (Variation ID: 660196). An algorithm developed to predict the effect of missense changes on protein structure and function (PolyPhen-2) suggests that this variant is likely to be tolerated. RNA analysis performed to evaluate the impact of this missense change on mRNA splicing indicates it does not significantly alter splicing (internal data). In summary, the available evidence is currently insufficient to determine the role of this variant in disease. Therefore, it has been classified as a Variant of Uncertain Significance.

GeneDx
Classification: Uncertain significance. Last evaluated: 2024-12-06. Review status: criteria provided, single submitter. Criteria: GeneDx Variant Classification Process June 2021. Collection method: clinical testing. Allele origin: germline.
Comment: In silico analysis supports a deleterious effect on splicing; In silico analysis indicates that this missense variant does not alter protein structure/function; Has not been previously published as pathogenic or benign to our knowledge

Ambry Genetics
Classification: Uncertain significance for Hereditary cancer-predisposing syndrome. Last evaluated: 2024-05-12. Review status: criteria provided, single submitter. Criteria: Ambry Variant Classification Scheme 2023. Collection method: clinical testing. Allele origin: germline.
Comment: The p.R128G variant (also known as c.382C>G), located in coding exon 3 of the NTHL1 gene, results from a C to G substitution at nucleotide position 382. The arginine at codon 128 is replaced by glycine, an amino acid with dissimilar properties. This amino acid position is not well conserved in available vertebrate species. In addition, the in silico prediction for this alteration is inconclusive. Since supporting evidence is limited at this time, the clinical significance of this alteration remains unclear.

St. Jude Molecular Pathology, St. Jude Children's Research Hospital
Classification: Uncertain significance for Familial adenomatous polyposis 3. Last evaluated: 2023-02-10. Review status: criteria provided, single submitter. Criteria: St. Jude Assertion Criteria 2020. Collection method: clinical testing. Allele origin: germline.
Comment: The NTHL1 c.358C>G (p.Arg120Gly) missense change has a maximum subpopulation frequency of 0.028% in gnomAD v2.1.1. The in silico tool REVEL is inconclusive about the effect of this variant on protein function, but to our knowledge functional studies have not been performed. To our knowledge, this variant has not been reported in individuals with NTHL1-associated polyposis. In summary, the evidence currently available is insufficient to determine the clinical significance of this variant. It has therefore been classified as of uncertain significance.

Sema4
Classification: Uncertain significance for Hereditary cancer-predisposing syndrome. Last evaluated: 2022-03-12. Review status: criteria provided, single submitter. Criteria: Sema4 Curation Guidelines. Collection method: curation. Allele origin: germline.
Comment: The NTHL1 c.382C>G (p.R128G) variant has not been reported in the literature to our knowledge. It was observed in 4/14190 chromosomes of the African/African American subpopulation in the large and broad cohorts of the Genome Aggregation Database (PMID: 32461654). The variant has been reported in ClinVar (Variation ID 660196). Functional studies have not been performed, and in silico predictions of the variant's effect on protein function are inconclusive. The evidence is insufficient to meet ACMG/AMP criteria for classifying the variant as benign or pathogenic. Thus, the clinical significance of this variant is currently uncertain.